The following is an entry in ClinVar:

NM_001292063.2(OTOG):c.2867+6T>G

Gene: OTOG (otogelin; plus strand). Cytogenetic location: 11p15.1.
Variant type: single nucleotide variant.
Coding change: c.2867+6T>G on transcript NM_001292063.2 (MANE Select); 6 bases into the intron after coding-DNA position 2867, T replaced by G.
Molecular consequence: intron variant.
Genome position (GRCh38, 1-based): chr11:17,586,587, T>G. VCF-style: chr11-17586587-T-G. GRCh37 (hg19) VCF-style: chr11-17608134-T-G.
Other names: c.2903+6T>G (NM_001277269.2).
Identifiers: ClinVar variation 505120 (VCV000505120.7), dbSNP rs906307749, ClinGen allele CA218457497.

ClinVar aggregate classification (germline): Uncertain significance. Review status: criteria provided, multiple submitters, no conflicts (2 of 4 stars). 3 submissions from 3 submitters: Uncertain significance (3). Last evaluated 2026-06-01.

Conditions:
OTOG-related disorder. Also called: OTOG-related condition.

Allele frequency attached by ClinVar (database versions not stated): gnomAD exomes 0.00005 and 0.00032; gnomAD 0.00012; TOPMed 0.00014.
gnomAD v4.1: 395 of 1,364,366 alleles (0.029%); highest among the groups gnomAD compares: Non-Finnish European, 0.037%; no homozygotes.

Submissions (3):

PreventionGenetics, part of Exact Sciences
Classification: Uncertain significance for OTOG-related condition. Last evaluated: 2026-06-01. Review status: criteria provided, single submitter. Criteria: ACMG Guidelines, 2015. Collection method: clinical testing. Allele origin: germline.
Comment: The OTOG c.2903+6T>G variant is predicted to interfere with splicing. To our knowledge, this variant has not been reported in the literature. This variant is reported in 0.013% of alleles in individuals of European (Non-Finnish) descent in gnomAD. At this time, the clinical significance of this variant is uncertain due to the absence of conclusive functional and genetic evidence.

GeneDx
Classification: Uncertain significance. Last evaluated: 2025-04-07. Review status: criteria provided, single submitter. Criteria: GeneDx Variant Classification Process June 2021. Collection method: clinical testing. Allele origin: germline. Affected: yes.
Comment: Has not been previously published as pathogenic or benign to our knowledge; In silico analysis is inconclusive as to whether the variant alters gene splicing. In the absence of RNA/functional studies, the actual effect of this sequence change is unknown.

Laboratory for Molecular Medicine, Mass General Brigham Personalized Medicine
Classification: Uncertain significance. Last evaluated: 2016-06-09. Review status: criteria provided, single submitter. Criteria: LMM Criteria. Collection method: clinical testing. Allele origin: germline. Observed: 1 variant allele.
Comment: The c.2903+6T>G variant in OTOG has not been previously reported in individuals with hearing loss. Data from large population studies are insufficient to assess the frequency of this variant in the general population. This variant is locate d in the 5' splice region. Computational tools suggest an impact to splicing; ho wever, this information is not predictive enough to determine pathogenicity. In summary, the clinical significance of the c.2903+6T>G variant is uncertain.